The following is an entry in ClinVar:

ClinVar aggregate classification (germline): Uncertain significance. Review status: criteria provided, multiple submitters, no conflicts (2 of 4 stars). 2 submissions from 2 submitters: Uncertain significance (2). Last evaluated 2024-06-23.

Conditions:
Perlman syndrome (PRLMNS). Identifiers: Orphanet 2849, MedGen C0796113, MONDO:0009965, OMIM 267000.

Allele frequency attached by ClinVar (database versions not stated): gnomAD exomes below 0.00001; gnomAD 0.00001.
gnomAD v4.1: 4 of 1,614,054 alleles (0.00025%); highest among the groups gnomAD compares: African/African-American, 0.0013%; no homozygotes.

Submissions (2):

Labcorp Genetics (formerly Invitae), Labcorp
Classification: Uncertain significance for Perlman syndrome. Last evaluated: 2024-06-23. Review status: criteria provided, single submitter. Criteria: Invitae Variant Classification Sherloc (09022015). Collection method: clinical testing. Allele origin: germline.
Comment: This sequence change replaces alanine, which is neutral and non-polar, with threonine, which is neutral and polar, at codon 548 of the DIS3L2 protein (p.Ala548Thr). This variant is not present in population databases (gnomAD no frequency). This variant has not been reported in the literature in individuals affected with DIS3L2-related conditions. ClinVar contains an entry for this variant (Variation ID: 1062937). Advanced modeling of protein sequence and biophysical properties (such as structural, functional, and spatial information, amino acid conservation, physicochemical variation, residue mobility, and thermodynamic stability) performed at Invitae indicates that this missense variant is not expected to disrupt DIS3L2 protein function with a negative predictive value of 80%. In summary, the available evidence is currently insufficient to determine the role of this variant in disease. Therefore, it has been classified as a Variant of Uncertain Significance.

Revvity Omics, Revvity
Classification: Uncertain significance for Perlman syndrome. Last evaluated: 2020-02-05. Review status: criteria provided, single submitter. Criteria: ACMG Guidelines, 2015. Collection method: clinical testing. Allele origin: germline.

NM_152383.5(DIS3L2):c.1642G>A (p.Ala548Thr)

Gene: DIS3L2 (DIS3 like 3'-5' exoribonuclease 2; plus strand). Cytogenetic location: 2q37.1.
Variant type: single nucleotide variant.
Coding change: c.1642G>A on transcript NM_152383.5 (MANE Select); coding-DNA position 1642, G replaced by A.
Protein change: p.Ala548Thr; replaces alanine 548 with threonine.
Molecular consequence: missense variant. On other transcripts: non-coding transcript variant (2), intron variant (1).
Genome position (GRCh38, 1-based): chr2:232,263,423, G>A. VCF-style: chr2-232263423-G-A. GRCh37 (hg19) VCF-style: chr2-233128133-G-A.
Other names: c.1642G>A (NM_152383.4); c.1581+61G>A (NM_001257281.2); short protein forms A548T.
Identifiers: ClinVar variation 1062937 (VCV001062937.11), dbSNP rs1017419118, ClinGen allele CA66901619.